The following is an entry in ClinVar:

ClinVar aggregate classification (germline): Uncertain significance. Review status: criteria provided, multiple submitters, no conflicts (2 of 4 stars). 3 submissions from 3 submitters: Uncertain significance (2). 1 of the submissions does not count toward it. Last evaluated 2022-06-22.

Conditions:
Cryptosporidiosis-chronic cholangitis-liver disease syndrome. Also called: IL21R immunodeficiency; Immunodeficiency type 56. Identifiers: Orphanet 357329, MedGen C3554687, MONDO:0014082, OMIM 615207.

Allele frequency attached by ClinVar (database versions not stated): gnomAD 0.00001; gnomAD exomes 0.00001; TOPMed 0.00001.

Submissions (3):

Labcorp Genetics (formerly Invitae), Labcorp
Classification: Uncertain significance for Cryptosporidiosis-chronic cholangitis-liver disease syndrome. Last evaluated: 2022-06-22. Review status: criteria provided, single submitter. Criteria: Invitae Variant Classification Sherloc (09022015). Collection method: clinical testing. Allele origin: germline.
Comment: In summary, the available evidence is currently insufficient to determine the role of this variant in disease. Therefore, it has been classified as a Variant of Uncertain Significance. Algorithms developed to predict the effect of missense changes on protein structure and function are either unavailable or do not agree on the potential impact of this missense change (SIFT: "Deleterious"; PolyPhen-2: "Probably Damaging"; Align-GVGD: "Class C0"). ClinVar contains an entry for this variant (Variation ID: 638070). This missense change has been observed in individual(s) with clinical features of interleukin 21 receptor deficiency (PMID: 25398835, 33929673). This variant is present in population databases (no rsID available, gnomAD 0.007%). This sequence change replaces arginine, which is basic and polar, with glutamine, which is neutral and polar, at codon 201 of the IL21R protein (p.Arg201Gln).

Blueprint Genetics
Classification: Uncertain significance. Last evaluated: 2021-10-14. Review status: criteria provided, single submitter. Criteria: ACMG Guidelines, 2015. Collection method: clinical testing. Allele origin: germline.

OMIM
Classification: Pathogenic for IMMUNODEFICIENCY 56. Last evaluated: 2019-07-26. Review status: no assertion criteria provided. Collection method: literature only. Allele origin: germline. Not counted in ClinVar's aggregate classification.

Literature cited by the submitters: PubMed 25398835 (cited by Labcorp Genetics (formerly Invitae), Labcorp and OMIM); PubMed 33929673 (cited by Labcorp Genetics (formerly Invitae), Labcorp).

NM_181078.3(IL21R):c.602G>A (p.Arg201Gln)

Gene: IL21R (interleukin 21 receptor; plus strand). Cytogenetic location: 16p12.1.
Variant type: single nucleotide variant.
Coding change: c.602G>A on transcript NM_181078.3 (MANE Select); coding-DNA position 602, G replaced by A.
Protein change: p.Arg201Gln; replaces arginine 201 with glutamine.
Molecular consequence: missense variant.
Genome position (GRCh38, 1-based): chr16:27,444,636, G>A. VCF-style: chr16-27444636-G-A. GRCh37 (hg19) VCF-style: chr16-27455957-G-A.
Other names: c.602G>A, p.Arg201Gln (NM_021798.4); c.668G>A, p.Arg223Gln (NM_181079.5); short protein forms R201Q, R223Q.
Identifiers: ClinVar variation 638070 (VCV000638070.8), dbSNP rs397514685, ClinGen allele CA395303710.